The following is an entry in ClinVar:

ClinVar aggregate classification (germline): Uncertain significance (1 of 4 stars; one submission).

Conditions:
Inborn genetic diseases. Identifiers: MedGen C0950123, MeSH D030342.

Submission:

Ambry Genetics
Classification: Uncertain significance for Inborn genetic diseases. Last evaluated: 2026-07-01. Review status: criteria provided, single submitter. Criteria: Ambry Variant Classification Scheme 2023. Collection method: clinical testing. Allele origin: germline.
Comment: The c.5816G>A (p.R1939H) alteration is located in exon 18 (coding exon 17) of the NSD1 gene. This alteration results from a G to A substitution at nucleotide position 5816, causing the arginine (R) at amino acid position 1939 to be replaced by a histidine (H). This variant was not reported in population-based cohorts in the Genome Aggregation Database (gnomAD). This amino acid position is highly conserved in available vertebrate species. This missense variant is located in a region that has a low rate of benign missense variation (Lek, 2016; Firth, 2009). This alteration is predicted to be deleterious by in silico analysis. Based on insufficient or conflicting evidence, the clinical significance of this alteration remains unclear.

NM_022455.5(NSD1):c.5816G>A (p.Arg1939His)

Gene: NSD1 (nuclear receptor binding SET domain protein 1; plus strand). Cytogenetic location: 5q35.3.
Variant type: single nucleotide variant.
Coding change: c.5816G>A on transcript NM_022455.5 (MANE Select); coding-DNA position 5816, G replaced by A.
Protein change: p.Arg1939His; replaces arginine 1939 with histidine.
Molecular consequence: missense variant.
Genome position (GRCh38, 1-based): chr5:177,280,758, G>A. VCF-style: chr5-177280758-G-A. GRCh37 (hg19) VCF-style: chr5-176707759-G-A.
Other names: c.5054G>A, p.Arg1685His (NM_001409307.1, NM_001409306.1); c.4943G>A, p.Arg1648His (NM_001409308.1, NM_001409309.1, NM_172349.5 and 1 more transcripts); c.5816G>A, p.Arg1939His (NM_001409301.1, NM_001409302.1, NM_001409303.1); c.5396G>A, p.Arg1799His (NM_001409304.1); c.5063G>A, p.Arg1688His (NM_001409305.1); short protein forms R1648H, R1939H, R1685H, R1688H, R1799H.
Identifiers: ClinVar variation 5025869 (VCV005025869.1).
Genomic context (GRCh38, chr5:177,280,758, plus strand): 5'-AGTGCCACCCCACAGTGTGTCCTGCCGGAGGGCGCTGTCAAAACCAGTGCTTTTCCAAGC[G>A]CCAATATCCAGAGGTTGAAATTTTCCGCACATTACAGCGGGGTTGGGGTCTACGGACAAA-3'
Protein context (NP_071900.2, residues 1929-1949): GRCQNQCFSK[Arg1939His]QYPEVEIFRT